The following is an entry in ClinVar:

NM_021098.3(CACNA1H):c.2605G>A (p.Val869Ile)

Gene: CACNA1H (calcium voltage-gated channel subunit alpha1 H; plus strand). Cytogenetic location: 16p13.3.
Variant type: single nucleotide variant.
Coding change: c.2605G>A on transcript NM_021098.3 (MANE Select); coding-DNA position 2605, G replaced by A.
Protein change: p.Val869Ile; replaces valine 869 with isoleucine.
Molecular consequence: missense variant.
Genome position (GRCh38, 1-based): chr16:1,206,105, G>A. VCF-style: chr16-1206105-G-A. GRCh37 (hg19) VCF-style: chr16-1256105-G-A.
Other names: c.2605G>A, p.Val869Ile (NM_001005407.2); short protein forms V869I.
Identifiers: ClinVar variation 851032 (VCV000851032.9), dbSNP rs531253297, ClinGen allele CA7800386.

ClinVar aggregate classification (germline): Conflicting classifications of pathogenicity. Review status: criteria provided, conflicting classifications (1 of 4 stars). 2 submissions from 2 submitters: Uncertain significance (1); Likely benign (1). Last evaluated 2026-08-01.

Conditions:
Idiopathic generalized epilepsy. Also called: EIG; Generalised epilepsy. Identifiers: MedGen C0270850, MONDO:0005579, OMIM 600669.
Hyperaldosteronism, familial, type IV (HALD4). Also called: FH IV; ALDOSTERONISM, PRIMARY, AND HYPERTENSION. Identifiers: Orphanet 642671, MedGen C4310756, MONDO:0014875, OMIM 617027.

Allele frequency attached by ClinVar (database versions not stated): 1000 Genomes Project 30x 0.00016; 1000 Genomes Project 0.00020; TOPMed 0.00022; gnomAD 0.00026 and 0.00029; ExAC 0.00027.
gnomAD v4.1: 135 of 1,575,782 alleles (0.0086%); highest among the groups gnomAD compares: African/African-American, 0.061%; no homozygotes.

Submissions (2):

CeGaT Center for Human Genetics Tuebingen
Classification: Likely benign. Last evaluated: 2026-08-01. Review status: criteria provided, single submitter. Criteria: CeGaT Center For Human Genetics Tuebingen Variant Classification Criteria Version 2. Collection method: clinical testing. Allele origin: germline. Affected: yes. Observed: 1 variant allele.
Comment: CACNA1H: BS2

Labcorp Genetics (formerly Invitae), Labcorp
Classification: Uncertain significance for Idiopathic generalized epilepsy; Hyperaldosteronism, familial, type IV. Last evaluated: 2025-06-12. Review status: criteria provided, single submitter. Criteria: Invitae Variant Classification Sherloc (09022015). Collection method: clinical testing. Allele origin: germline.
Comment: This sequence change replaces valine, which is neutral and non-polar, with isoleucine, which is neutral and non-polar, at codon 869 of the CACNA1H protein (p.Val869Ile). This variant is present in population databases (rs531253297, gnomAD 0.08%), and has an allele count higher than expected for a pathogenic variant. This variant has not been reported in the literature in individuals affected with CACNA1H-related conditions. ClinVar contains an entry for this variant (Variation ID: 851032). An algorithm developed to predict the effect of missense changes on protein structure and function (PolyPhen-2) suggests that this variant is likely to be disruptive. In summary, the available evidence is currently insufficient to determine the role of this variant in disease. Therefore, it has been classified as a Variant of Uncertain Significance.